The following is an entry in ClinVar:

NM_001122630.2(CDKN1C):c.733G>A (p.Ala245Thr)

Gene: CDKN1C (cyclin dependent kinase inhibitor 1C; minus strand). Cytogenetic location: 11p15.4.
Variant type: single nucleotide variant.
Coding change: c.733G>A on transcript NM_001122630.2 (MANE Select); coding-DNA position 733, G replaced by A.
Protein change: p.Ala245Thr; replaces alanine 245 with threonine.
Molecular consequence: missense variant. On other transcripts: intron variant (1).
Genome position (GRCh38, 1-based): chr11:2,884,724, C>T on the plus strand (G>A on the coding strand, the complement: CDKN1C is on the minus strand). VCF-style: chr11-2884724-C-T. GRCh37 (hg19) VCF-style: chr11-2905954-C-T.
Other names: c.766G>A, p.Ala256Thr (NM_000076.2, NM_001362474.2); c.733G>A, p.Ala245Thr (NM_001122631.2); c.255+478G>A (NM_001362475.2); short protein forms A245T, A256T.
Identifiers: ClinVar variation 1046912 (VCV001046912.8), dbSNP rs1848918918, ClinGen allele CA379145624.

ClinVar aggregate classification (germline): Uncertain significance (1 of 4 stars; one submission).

Conditions:
Beckwith-Wiedemann syndrome (BWS). Also called: Exomphalos macroglossia gigantism syndrome; EMG SYNDROME. Identifiers: Orphanet 116, MedGen C0004903, MONDO:0007534, OMIM 130650.

Submission:

Labcorp Genetics (formerly Invitae), Labcorp
Classification: Uncertain significance for Beckwith-Wiedemann syndrome. Last evaluated: 2020-07-12. Review status: criteria provided, single submitter. Criteria: Invitae Variant Classification Sherloc (09022015). Collection method: clinical testing. Allele origin: germline.
Comment: In summary, the available evidence is currently insufficient to determine the role of this variant in disease. Therefore, it has been classified as a Variant of Uncertain Significance. This variant has not been reported in the literature in individuals with CDKN1C-related conditions. This variant is not present in population databases (ExAC no frequency). This sequence change replaces alanine with threonine at codon 256 of the CDKN1C protein (p.Ala256Thr). The alanine residue is moderately conserved and there is a small physicochemical difference between alanine and threonine.